The following is an entry in ClinVar:

NM_000053.4(ATP7B):c.993C>T (p.Ala331=)

Gene: ATP7B (ATPase copper transporting beta; minus strand). Cytogenetic location: 13q14.3.
Variant type: single nucleotide variant.
Coding change: c.993C>T on transcript NM_000053.4 (MANE Select); coding-DNA position 993, C replaced by T.
Protein change: p.Ala331=; no amino-acid change (alanine 331 retained).
Molecular consequence: synonymous variant. On other transcripts: intron variant (1).
Genome position (GRCh38, 1-based): chr13:51,974,227, G>A on the plus strand (C>T on the coding strand, the complement: ATP7B is on the minus strand). VCF-style: chr13-51974227-G-A. GRCh37 (hg19) VCF-style: chr13-52548363-G-A.
Other names: c.993C>T, p.Ala331= (NM_001005918.3, NM_001330578.2, NM_001330579.2); c.803-143C>T (NM_001243182.2).
Identifiers: ClinVar variation 762140 (VCV000762140.24), dbSNP rs377294197, ClinGen allele CA6989460.
Genomic context (GRCh38, chr13:51,974,227, plus strand): 5'-TCTCGGTGGGGAGCCAGGGGAATGAGAACTGGAAGACCTGTGATCTGTCCCACTCCCTTC[G>A]GCTCCATCAGGAAGAGAAACTTTAAAATTCCCAGGTGGAAGTGCCTCGATAGCCCTCTGC-3'
Protein context (NP_000044.2, residues 321-341): GNFKVSLPDG[Ala331=]EGSGTDHRSS

ClinVar aggregate classification (germline): Likely benign. Review status: criteria provided, multiple submitters, no conflicts (2 of 4 stars). 8 submissions from 8 submitters: Likely benign (7). 1 of the submissions does not count toward it. Last evaluated 2026-05-13.

Conditions:
ATP7B-related disorder. Also called: ATP7B-related condition.
Inborn genetic diseases. Identifiers: MedGen C0950123, MeSH D030342.
Wilson disease (WND). Also called: Wilson's disease. Identifiers: Orphanet 905, MedGen C0019202, MONDO:0010200, OMIM 277900. Disease mechanism: loss of function.

Allele frequency attached by ClinVar (database versions not stated): gnomAD 0.00003 and 0.00005; gnomAD exomes 0.00003; ExAC 0.00005; TOPMed 0.00010; ESP Exome Variant Server 0.00017; 1000 Genomes Project 0.00020; 1000 Genomes Project 30x 0.00031.
gnomAD v4.1: 34 of 1,613,990 alleles (0.0021%); highest among the groups gnomAD compares: African/African-American, 0.023%; no homozygotes.

Submissions (8):

PreventionGenetics, part of Exact Sciences
Classification: Likely benign for ATP7B-related condition. Last evaluated: 2026-05-13. Review status: criteria provided, single submitter. Criteria: ACMG Guidelines, 2015. Collection method: clinical testing. Allele origin: germline.
Comment: This variant is classified as likely benign based on ACMG/AMP sequence variant interpretation guidelines (Richards et al. 2015 PMID: 25741868, with internal and published modifications).

CeGaT Center for Human Genetics Tuebingen
Classification: Likely benign. Last evaluated: 2026-02-01. Review status: criteria provided, single submitter. Criteria: CeGaT Center For Human Genetics Tuebingen Variant Classification Criteria Version 2. Collection method: clinical testing. Allele origin: germline. Affected: yes. Observed: 1 variant allele.
Comment: ATP7B: BP4, BP7

Labcorp Genetics (formerly Invitae), Labcorp
Classification: Likely benign for Wilson disease. Last evaluated: 2026-01-06. Review status: criteria provided, single submitter. Criteria: Invitae Variant Classification Sherloc (09022015). Collection method: clinical testing. Allele origin: germline.

All of Us Research Program, National Institutes of Health
Classification: Likely benign for Wilson disease. Last evaluated: 2023-08-14. Review status: criteria provided, single submitter. Criteria: ACMG Guidelines, 2015. Collection method: clinical testing. Allele origin: germline. Inheritance: Autosomal recessive inheritance. Observed: 3 variant alleles, 3 heterozygotes.
Comment: This study involves interpretation of variants in research participants for the purpose of population health screening. Participant phenotype was not available at the time of variant classification. Additional details can be found in publication PMID: 35346344, PMCID: PMC8962531

Color Diagnostics, LLC DBA Color Health
Classification: Likely benign for Wilson disease. Last evaluated: 2022-09-21. Review status: criteria provided, single submitter. Criteria: ACMG Guidelines, 2015. Collection method: clinical testing. Allele origin: germline.

Ambry Genetics
Classification: Likely benign for Inborn genetic diseases. Last evaluated: 2022-07-08. Review status: criteria provided, single submitter. Criteria: Ambry Variant Classification Scheme 2023. Collection method: clinical testing. Allele origin: germline.

Fulgent Genetics
Classification: Likely benign for Wilson disease. Last evaluated: 2021-09-27. Review status: criteria provided, single submitter. Criteria: ACMG Guidelines, 2015. Collection method: clinical testing. Allele origin: unknown.

Natera, Inc.
Classification: Likely benign for Wilson disease. Last evaluated: 2021-01-05. Review status: no assertion criteria provided. Collection method: clinical testing. Allele origin: germline. Not counted in ClinVar's aggregate classification.